The following is an entry in ClinVar:

ClinVar aggregate classification (germline): Uncertain significance (1 of 4 stars; one submission).

Conditions:
Familial hypercholesterolemia. Also called: Familial hypercholesterolaemia. Identifiers: MedGen C0020445, MONDO:0005439.

Allele frequency attached by ClinVar (database versions not stated): gnomAD exomes below 0.00001.
gnomAD v4.1: 2 of 1,613,590 alleles (0.00012%); highest among the groups gnomAD compares: East Asian, 0.0022%; no homozygotes.

Submission:

Color Diagnostics, LLC DBA Color Health
Classification: Uncertain significance for Familial hypercholesterolemia. Last evaluated: 2023-12-05. Review status: criteria provided, single submitter. Criteria: ACMG Guidelines, 2015. Collection method: clinical testing. Allele origin: germline.
Comment: Variant of Uncertain Significance due to insufficient evidence: This missense variant replaces valine with alanine at codon 675 of the PCSK9 protein. Computational prediction tools and conservation analyses suggest that this variant may not impact the protein function. Computational splicing tools suggest that this variant may not impact RNA splicing. To our knowledge, functional assays have not been performed for this variant nor has this variant been reported in individuals affected with familial hypercholesterolemia in the literature. This variant is rare in the general population and has been identified in 0/277264 chromosomes by the Genome Aggregation Database (gnomAD). Available evidence is insufficient to determine the role of this variant in disease conclusively.

NM_174936.4(PCSK9):c.2024T>C (p.Val675Ala)

Gene: PCSK9 (proprotein convertase subtilisin/kexin type 9; plus strand). Cytogenetic location: 1p32.3.
Variant type: single nucleotide variant.
Coding change: c.2024T>C on transcript NM_174936.4 (MANE Select); coding-DNA position 2024, T replaced by C.
Protein change: p.Val675Ala; replaces valine 675 with alanine.
Molecular consequence: missense variant.
Genome position (GRCh38, 1-based): chr1:55,063,529, T>C. VCF-style: chr1-55063529-T-C. GRCh37 (hg19) VCF-style: chr1-55529202-T-C.
Other names: c.2147T>C, p.Val716Ala (NM_001407240.1); c.2066T>C, p.Val689Ala (NM_001407241.1); c.2027T>C, p.Val676Ala (NM_001407242.1); c.1967T>C, p.Val656Ala (NM_001407243.1); c.1850T>C, p.Val617Ala (NM_001407244.1); c.1832T>C, p.Val611Ala (NM_001407245.1); c.1649T>C, p.Val550Ala (NM_001407246.1); c.1523T>C, p.Val508Ala (NM_001407247.1); short protein forms V675A, V550A, V611A, V617A, V689A, V716A, V508A, V656A.
Identifiers: ClinVar variation 922344 (VCV000922344.6), dbSNP rs1557509864, ClinGen allele CA340480855.